The following is an entry in ClinVar:

NM_000492.4(CFTR):c.544dup (p.Ser182fs)

Gene: CFTR (CF transmembrane conductance regulator; plus strand). Cytogenetic location: 7q31.2.
Variant type: Duplication.
Coding change: c.544dup on transcript NM_000492.4 (MANE Select); coding-DNA position 544, one base duplicated (A; older notation c.544dupA).
Protein change: p.Ser182fs; shifts the reading frame from serine 182.
Molecular consequence: frameshift variant.
Genome position (GRCh38, 1-based): chr7:117,534,330, A duplicated. VCF-style (leftmost placement, unchanged base first): chr7-117534329-T-TA. GRCh37 (hg19) VCF-style: chr7-117174383-T-TA.
Other names: c.544dupA (NM_000492.4, NM_000492.3); short protein forms S182fs.
Identifiers: ClinVar variation 694031 (VCV000694031.6), dbSNP rs1584786454, ClinGen allele CA915945459.

ClinVar aggregate classification (germline): Pathogenic/Likely pathogenic. Review status: criteria provided, multiple submitters, no conflicts (2 of 4 stars). 4 submissions from 4 submitters: Pathogenic (2); Likely pathogenic (2). Last evaluated 2025-11-14.

Conditions:
Cystic fibrosis (CF). Also called: MUCOVISCIDOSIS. Identifiers: Orphanet 586, MedGen C0010674, MONDO:0009061, OMIM 219700. Disease mechanism: loss of function.
CFTR-related disorder (CFTR-RD). Also called: CFTR-related condition; CFTR-related disorders. Identifiers: MedGen C5924204, MONDO:7770004.
Bronchiectasis with or without elevated sweat chloride 1 (BESC1). Also called: Cystic Fibrosis-Like Syndrome. Identifiers: Orphanet 60033, MedGen C2749757, MONDO:0008887, OMIM 211400.

Submissions (4):

Natera, Inc.
Classification: Likely pathogenic for CFTR-related disorders. Last evaluated: 2025-11-14. Review status: criteria provided, single submitter. Criteria: Natera Variant Classification Schema (03/2026). Collection method: clinical testing. Allele origin: germline.
Comment: The c.544dupA variant in CFTR is a frameshift variant predicted to shift the reading frame beginning at codon 182 and leads to a stop codon 11 codons downstream. This variant is expected to result in nonsense mediated decay, truncation, or a dysfunctional protein product. This variant is rare in the general population with a frequency below the threshold expected for the associated phenotype(s). Given the available evidence, this variant is classified as Likely Pathogenic.

Women's Health and Genetics/Laboratory Corporation of America, LabCorp
Classification: Pathogenic for Cystic fibrosis. Last evaluated: 2025-04-15. Review status: criteria provided, single submitter. Criteria: LabCorp Variant Classification Summary - May 2015. Collection method: clinical testing. Allele origin: germline.
Comment: Variant summary: CFTR c.544dupA (p.Ser182LysfsX11) results in a premature termination codon, predicted to cause a truncation of the encoded protein or absence of the protein due to nonsense mediated decay, which are commonly known mechanisms for disease. The frequency data for this variant in gnomAD is considered unreliable, as metrics indicate poor data quality at this position. To our knowledge, no occurrence of c.544dupA in individuals affected with Cystic Fibrosis and no experimental evidence demonstrating its impact on protein function have been reported. ClinVar contains an entry for this variant (Variation ID: 694031). Based on the evidence outlined above, the variant was classified as pathogenic.

Baylor Genetics
Classification: Likely pathogenic for Bronchiectasis with or without elevated sweat chloride 1. Last evaluated: 2024-02-09. Review status: criteria provided, single submitter. Criteria: ACMG Guidelines, 2015. Collection method: clinical testing. Allele origin: unknown.

GeniaGeo, Laboratorio Genia
Classification: Pathogenic for Cystic fibrosis. Last evaluated: 2019-10-04. Review status: criteria provided, single submitter. Criteria: ACMG Guidelines, 2015. Collection method: clinical testing. Allele origin: germline. Inheritance: Autosomal recessive inheritance. Affected: yes. Observed: 1 compound heterozygote.